The following is an entry in ClinVar:

ClinVar aggregate classification (germline): Uncertain significance (1 of 4 stars; one submission).

Submission:

Greenwood Genetic Center Diagnostic Laboratories, Greenwood Genetic Center
Classification: Uncertain significance. Last evaluated: 2025-12-16. Review status: criteria provided, single submitter. Criteria: ACMG Guidelines, 2015. Collection method: clinical testing. Allele origin: germline. Affected: yes.
Comment: PM1, PM2

NM_001386298.1(CIC):c.7136G>A (p.Arg2379His)

Gene: CIC (capicua transcriptional repressor; plus strand). Cytogenetic location: 19q13.2.
Variant type: single nucleotide variant.
Coding change: c.7136G>A on transcript NM_001386298.1 (MANE Select); coding-DNA position 7136, G replaced by A.
Protein change: p.Arg2379His; replaces arginine 2379 with histidine.
Molecular consequence: missense variant.
Genome position (GRCh38, 1-based): chr19:42,294,685, G>A. VCF-style: chr19-42294685-G-A. GRCh37 (hg19) VCF-style: chr19-42798837-G-A.
Other names: c.7136G>A, p.Arg2379His (NM_001304815.2); c.7133G>A, p.Arg2378His (NM_001379480.1, NM_001379482.1, NM_001439183.1); c.4403G>A, p.Arg1468His (NM_001379484.1, NM_001439191.1); c.4400G>A, p.Arg1467His (NM_001379485.1); c.7130G>A, p.Arg2377His (NM_001439184.1, NM_001439185.1, NM_001439186.1); c.7127G>A, p.Arg2376His (NM_001439187.1); c.7124G>A, p.Arg2375His (NM_001439188.1); c.4406G>A, p.Arg1469His (NM_001439189.1, NM_001439190.1); and 1 more; short protein forms R1467H, R1468H, R1469H, R1470H, R2375H, R2376H, R2377H, R2378H.
Identifiers: ClinVar variation 4845540 (VCV004845540.1).